The following is an entry in ClinVar:

NM_000443.4(ABCB4):c.1156A>G (p.Lys386Glu)

Gene: ABCB4 (ATP binding cassette subfamily B member 4; minus strand). Cytogenetic location: 7q21.12.
Variant type: single nucleotide variant.
Coding change: c.1156A>G on transcript NM_000443.4 (MANE Select); coding-DNA position 1156, A replaced by G.
Protein change: p.Lys386Glu; replaces lysine 386 with glutamic acid.
Molecular consequence: missense variant.
Genome position (GRCh38, 1-based): chr7:87,443,737, T>C on the plus strand (A>G on the coding strand, the complement: ABCB4 is on the minus strand). VCF-style: chr7-87443737-T-C. GRCh37 (hg19) VCF-style: chr7-87073053-T-C.
Other names: c.1156A>G, p.Lys386Glu (NM_018849.3, NM_018850.3); short protein forms K386E.
Identifiers: ClinVar variation 4846519 (VCV004846519.1).
Genomic context (GRCh38, chr7:87,443,737, plus strand): 5'-GAGAAGGGTAAGAAAAGTGAACATCATTGAACTCCAAATTCCCTTTGATGCTGTCTGGTT[T>C]GTGTCCTCTCTCTGAAAAACTGTCAATTTTAGGATTCTAAATAAAACAAAATGTAATGAC-3'
Protein context (NP_000434.1, residues 376-396): KIDSFSERGH[Lys386Glu]PDSIKGNLEF

ClinVar aggregate classification (germline): Uncertain significance (1 of 4 stars; one submission).

Conditions:
Familial intrahepatic cholestasis. Identifiers: Orphanet 284385, MedGen CN296401, MONDO:0017290.

Submission:

Genomenon, Inc
Classification: Uncertain significance for Familial intrahepatic cholestasis. Last evaluated: 2026-04-14. Review status: criteria provided, single submitter. Criteria: Genomenon Sequence Variant Interpretation Standards - Updated. Collection method: curation. Allele origin: germline. Affected: yes.
Comment: ABCB4 p.Lys386Glu (c.1156A>G) is a missense variant that changes the amino acid at residue 386 from Lysine to Glutamic acid. This variant has been observed in at least one proband with an ABCB4-related disorder (PMID:33546617). It is absent or not present at a significant frequency in gnomAD. In silico models predict that this variant is possibly or probably damaging. In conclusion, we classify ABCB4 p.Lys386Glu (c.1156A>G) as a variant of uncertain significance.

Literature cited by the submitters: PubMed 33546617.